The following is an entry in ClinVar:

ClinVar aggregate classification (germline): Pathogenic/Likely pathogenic. Review status: criteria provided, multiple submitters, no conflicts (2 of 4 stars). 3 submissions from 3 submitters: Pathogenic (1); Likely pathogenic (2). Last evaluated 2024-04-03.

Conditions:
SKIN/HAIR/EYE PIGMENTATION 3, LIGHT/DARK SKIN (SHEP3). Also called: EYE COLOR 1; EYE COLOR, GREEN/BLUE; SKIN/HAIR/EYE PIGMENTATION 3, BLUE/GREEN EYE COLOR; SKIN/HAIR/EYE PIGMENTATION 3, FRECKLING; SKIN/HAIR/EYE PIGMENTATION, VARIATION IN, 3. Identifiers: MedGen C2677190, OMIM 601800.

Allele frequency attached by ClinVar (database versions not stated): gnomAD exomes below 0.00001.
gnomAD v4.1: 2 of 1,614,222 alleles (0.00012%); highest among the groups gnomAD compares: South Asian, 0.0022%; no homozygotes.

Submissions (3):

GeneDx
Classification: Pathogenic. Last evaluated: 2024-04-03. Review status: criteria provided, single submitter. Criteria: GeneDx Variant Classification Process June 2021. Collection method: clinical testing. Allele origin: germline. Affected: yes.
Comment: Published functional studies demonstrate a lack of enzyme activity compared to wild-type (PMID: 20861851); Not observed at significant frequency in large population cohorts (gnomAD); In silico analysis supports that this missense variant has a deleterious effect on protein structure/function; This variant is associated with the following publications: (PMID: 18383608, 20861851)

Baylor Genetics
Classification: Likely pathogenic for SKIN/HAIR/EYE PIGMENTATION 3, LIGHT/DARK SKIN. Last evaluated: 2024-03-08. Review status: criteria provided, single submitter. Criteria: ACMG Guidelines, 2015. Collection method: clinical testing. Allele origin: unknown.

Revvity Omics, Revvity
Classification: Likely pathogenic. Last evaluated: 2019-09-16. Review status: criteria provided, single submitter. Criteria: ACMG Guidelines, 2015. Collection method: clinical testing. Allele origin: germline.

NM_000372.5(TYR):c.530T>A (p.Val177Asp)

Gene: TYR (tyrosinase; plus strand). Cytogenetic location: 11q14.3.
Variant type: single nucleotide variant.
Coding change: c.530T>A on transcript NM_000372.5 (MANE Select); coding-DNA position 530, T replaced by A.
Protein change: p.Val177Asp; replaces valine 177 with aspartic acid.
Molecular consequence: missense variant.
Genome position (GRCh38, 1-based): chr11:89,178,483, T>A. VCF-style: chr11-89178483-T-A. GRCh37 (hg19) VCF-style: chr11-88911651-T-A.
Other names: short protein forms V177D.
Identifiers: ClinVar variation 1325323 (VCV001325323.7), dbSNP rs571810545, ClinGen allele CA382034602.